The following is an entry in ClinVar:

NM_138459.5(NUS1):c.66C>T (p.Leu22=)

Gene: NUS1 (NUS1 dehydrodolichyl diphosphate synthase subunit; plus strand). Cytogenetic location: 6q22.1.
Variant type: single nucleotide variant.
Coding change: c.66C>T on transcript NM_138459.5 (MANE Select); coding-DNA position 66, C replaced by T.
Protein change: p.Leu22=; no amino-acid change (leucine 22 retained).
Molecular consequence: synonymous variant.
Genome position (GRCh38, 1-based): chr6:117,675,736, C>T. VCF-style: chr6-117675736-C-T. GRCh37 (hg19) VCF-style: chr6-117996899-C-T.
Identifiers: ClinVar variation 3344725 (VCV003344725.2).

ClinVar aggregate classification (germline): Likely benign. Review status: criteria provided, single submitter (1 of 4 stars). 2 submissions from 2 submitters: Likely benign (1). 1 of the submissions does not count toward it. Last evaluated 2023-06-19.

Conditions:
NUS1-related disorder. Also called: NUS1-Related Disorders; NUS1-related condition. Identifiers: MedGen CN382504, MONDO:1060287.

gnomAD v4.1: 1 of 1,539,960 alleles (0.000065%); highest among the groups gnomAD compares: Non-Finnish European, 0.000087%; no homozygotes.

Submissions (2):

Blueprint Genetics
Classification: Likely benign. Last evaluated: 2023-06-19. Review status: criteria provided, single submitter. Criteria: ACMG Guidelines, 2015. Collection method: clinical testing. Allele origin: germline.

PreventionGenetics, part of Exact Sciences
Classification: Likely benign for NUS1-related condition. Last evaluated: 2024-07-18. Review status: no assertion criteria provided. Collection method: clinical testing. Allele origin: germline. Not counted in ClinVar's aggregate classification.
Comment: This variant is classified as likely benign based on ACMG/AMP sequence variant interpretation guidelines (Richards et al. 2015 PMID: 25741868, with internal and published modifications).